The following is an entry in ClinVar:

ClinVar aggregate classification (germline): Likely benign. Review status: criteria provided, multiple submitters, no conflicts (2 of 4 stars). 2 submissions from 2 submitters: Likely benign (2). Last evaluated 2024-02-14.

Allele frequency attached by ClinVar (database versions not stated): ExAC 0.00001; gnomAD exomes 0.00001; TOPMed 0.00001; gnomAD 0.00002.
gnomAD v4.1: 12 of 1,585,744 alleles (0.00076%); highest among the groups gnomAD compares: Non-Finnish European, 0.00087%; no homozygotes.

Submissions (2):

Labcorp Genetics (formerly Invitae), Labcorp
Classification: Likely benign. Last evaluated: 2024-02-14. Review status: criteria provided, single submitter. Criteria: Invitae Variant Classification Sherloc (09022015). Collection method: clinical testing. Allele origin: germline.

GeneDx
Classification: Likely benign. Last evaluated: 2017-10-16. Review status: criteria provided, single submitter. Criteria: GeneDx Variant Classification (06012015). Collection method: clinical testing. Allele origin: germline. Affected: yes.
Comment: This variant is considered likely benign or benign based on one or more of the following criteria: it is a conservative change, it occurs at a poorly conserved position in the protein, it is predicted to be benign by multiple in silico algorithms, and/or has population frequency not consistent with disease.

NM_001374385.1(ATP8B1):c.2931+12T>C

Genes: ATP8B1 (ATPase phospholipid transporting 8B1; minus strand), ATP8B1-AS1 (ATP8B1 antisense RNA 1; plus strand). Cytogenetic location: 18q21.31.
Variant type: single nucleotide variant.
Coding change: c.2931+12T>C on transcript NM_001374385.1 (MANE Select); 12 bases into the intron after coding-DNA position 2931, T replaced by C.
Molecular consequence: intron variant.
Genome position (GRCh38, 1-based): chr18:57,655,182, A>G on the plus strand (T>C on the coding strand, the complement: ATP8B1 is on the minus strand). VCF-style: chr18-57655182-A-G. GRCh37 (hg19) VCF-style: chr18-55322414-A-G.
Other names: c.2931+12T>C (NM_005603.6); c.2781+12T>C (NM_001374386.1).
Identifiers: ClinVar variation 383017 (VCV000383017.4), dbSNP rs781342567, ClinGen allele CA8974133.